The following is an entry in ClinVar:

ClinVar aggregate classification (germline): Pathogenic. Review status: criteria provided, multiple submitters, no conflicts (2 of 4 stars). 2 submissions from 2 submitters: Pathogenic (2). Last evaluated 2026-02-25.

Submissions (2):

GeneDx
Classification: Pathogenic. Last evaluated: 2026-02-25. Review status: criteria provided, single submitter. Criteria: GeneDx Variant Classification Process June 2021. Collection method: clinical testing. Allele origin: germline.
Comment: Has not been previously published as pathogenic or benign to our knowledge; Frameshift variant predicted to result in protein truncation or nonsense mediated decay in a gene for which loss of function is a known mechanism of disease; Not observed at significant frequency in large population cohorts (gnomAD)

Labcorp Genetics (formerly Invitae), Labcorp
Classification: Pathogenic. Last evaluated: 2024-01-29. Review status: criteria provided, single submitter. Criteria: Invitae Variant Classification Sherloc (09022015). Collection method: clinical testing. Allele origin: germline.
Comment: This sequence change creates a premature translational stop signal (p.Lys205Argfs*2) in the TBX20 gene. It is expected to result in an absent or disrupted protein product. Loss-of-function variants in TBX20 are known to be pathogenic (PMID: 15901664, 25625280, 26118961, 27510170). This variant is not present in population databases (gnomAD no frequency). This variant has not been reported in the literature in individuals affected with TBX20-related conditions. ClinVar contains an entry for this variant (Variation ID: 2155255). For these reasons, this variant has been classified as Pathogenic.

Literature cited by the submitters: PubMed 15901664 (cited by Labcorp Genetics (formerly Invitae), Labcorp); PubMed 25625280 (cited by Labcorp Genetics (formerly Invitae), Labcorp); PubMed 26118961 (cited by Labcorp Genetics (formerly Invitae), Labcorp); PubMed 27510170 (cited by Labcorp Genetics (formerly Invitae), Labcorp).

NM_001077653.2(TBX20):c.614del (p.Lys205fs)

Gene: TBX20 (T-box transcription factor 20; minus strand). Cytogenetic location: 7p14.2.
Variant type: Deletion.
Coding change: c.614del on transcript NM_001077653.2 (MANE Select); coding-DNA position 614, one base deleted (A; older notation c.614delA).
Protein change: p.Lys205fs; shifts the reading frame from lysine 205.
Molecular consequence: frameshift variant.
Genome position (GRCh38, 1-based): chr7:35,244,989, T deleted on the plus strand (A on the coding strand, the reverse complement: TBX20 is on the minus strand); the first of 4 consecutive T bases (chr7:35,244,989-35,244,992); deleting any one gives the same sequence. VCF-style (leftmost placement, unchanged base first): chr7-35244988-CT-C. GRCh37 (hg19) VCF-style: chr7-35284600-CT-C.
Other names: c.614del, p.Lys205fs (NM_001166220.1); short protein forms K205fs.
Identifiers: ClinVar variation 2155255 (VCV002155255.5), dbSNP rs2546994710, ClinGen allele CA2580077079.
Genomic context (GRCh38, chr7:35,244,988, plus strand): 5'-AGTCCAAGGCATGGTACTTACATGGCCATGTTGATCCAGTTCATTGTTGGTGAGTTTCAC[CT>C]TTTCAAAAGACACCATCTGTTTGAGTAGTTGCTCACCGGTAAAAGGAGAATCTGGATGCA-3'